The following is an entry in ClinVar:

ClinVar aggregate classification (germline): Uncertain significance (1 of 4 stars; one submission).

Conditions:
TRIO-related disorder. Also called: TRIO-related condition; TRIO-related disorders.

Allele frequency attached by ClinVar (database versions not stated): ExAC 0.00002.
gnomAD v4.1: 21 of 1,613,340 alleles (0.0013%); highest among the groups gnomAD compares: East Asian, 0.018%; no homozygotes.

Submission:

PreventionGenetics, part of Exact Sciences
Classification: Uncertain significance for TRIO-related condition. Last evaluated: 2022-10-10. Review status: criteria provided, single submitter. Criteria: ACMG Guidelines, 2015. Collection method: clinical testing. Allele origin: germline.
Comment: The TRIO c.3299C>T variant is predicted to result in the amino acid substitution p.Thr1100Met. This variant was reported in an individual with neurodevelopmental disorder in a large cohort study of identifying risk genes for neurodevelopmental (Supplementary Data 5, Wang et al 2020. PubMed ID: 33004838). This variant is reported in 0.016% of alleles in individuals of East Asian descent in gnomAD. Although we suspect that this variant may be benign, at this time, the clinical significance of this variant is uncertain due to the absence of conclusive functional and genetic evidence.

NM_007118.4(TRIO):c.3299C>T (p.Thr1100Met)

Gene: TRIO (trio Rho guanine nucleotide exchange factor; plus strand). Cytogenetic location: 5p15.2.
Variant type: single nucleotide variant.
Coding change: c.3299C>T on transcript NM_007118.4 (MANE Select); coding-DNA position 3299, C replaced by T.
Protein change: p.Thr1100Met; replaces threonine 1100 with methionine.
Molecular consequence: missense variant. On other transcripts: non-coding transcript variant (1).
Genome position (GRCh38, 1-based): chr5:14,374,311, C>T. VCF-style: chr5-14374311-C-T. GRCh37 (hg19) VCF-style: chr5-14374420-C-T.
Other names: short protein forms T1100M.
Identifiers: ClinVar variation 2629502 (VCV002629502.1), dbSNP rs755673302, ClinGen allele CA3206142.